The following is an entry in ClinVar:

NM_001042492.3(NF1):c.2991-1G>T

Gene: NF1 (neurofibromin 1; plus strand). Cytogenetic location: 17q11.2.
Variant type: single nucleotide variant.
Coding change: c.2991-1G>T on transcript NM_001042492.3 (MANE Select); the canonical splice acceptor site of the intron before coding-DNA position 2991, G replaced by T.
Molecular consequence: splice acceptor variant.
Genome position (GRCh38, 1-based): chr17:31,230,259, G>T. VCF-style: chr17-31230259-G-T. GRCh37 (hg19) VCF-style: chr17-29557277-G-T.
Other names: c.2991-1G>T (NM_000267.4).
Identifiers: ClinVar variation 937354 (VCV000937354.4), dbSNP rs1060500273, ClinGen allele CA398986498.

ClinVar aggregate classification (germline): Pathogenic (1 of 4 stars; one submission).

Conditions:
Neurofibromatosis, type 1 (NF1). Also called: Peripheral type neurofibromatosis; VON RECKLINGHAUSEN DISEASE; Neurofibromatosis, type I; NEUROFIBROMATOSIS, TYPE I, SOMATIC. Identifiers: Orphanet 636, MedGen C0027831, MONDO:0018975, OMIM 162200. Disease mechanism: loss of function.

Submission:

Labcorp Genetics (formerly Invitae), Labcorp
Classification: Pathogenic for Neurofibromatosis, type 1. Last evaluated: 2023-01-02. Review status: criteria provided, single submitter. Criteria: Invitae Variant Classification Sherloc (09022015). Collection method: clinical testing. Allele origin: germline.
Comment: This sequence change affects an acceptor splice site in intron 22 of the NF1 gene. It is expected to disrupt RNA splicing. Variants that disrupt the donor or acceptor splice site typically lead to a loss of protein function (PMID: 16199547), and loss-of-function variants in NF1 are known to be pathogenic (PMID: 10712197, 23913538). For these reasons, this variant has been classified as Pathogenic. Algorithms developed to predict the effect of sequence changes on RNA splicing suggest that this variant may disrupt the consensus splice site. ClinVar contains an entry for this variant (Variation ID: 937354). Disruption of this splice site has been observed in individuals with clinical features of neurofibromatosis type 1 (PMID: 10712197, 23913538, 24357598). This variant is not present in population databases (gnomAD no frequency).

Literature cited by the submitters: PubMed 16199547; PubMed 10712197; PubMed 23913538; PubMed 24357598.